The following is an entry in ClinVar:

ClinVar aggregate classification (germline): Uncertain significance (1 of 4 stars; one submission).

Conditions:
Inborn genetic diseases. Identifiers: MedGen C0950123, MeSH D030342.

gnomAD v4.1: 3 of 1,614,118 alleles (0.00019%); highest among the groups gnomAD compares: Non-Finnish European, 0.00025%; no homozygotes.

Submission:

Ambry Genetics
Classification: Uncertain significance for Inborn genetic diseases. Last evaluated: 2026-04-12. Review status: criteria provided, single submitter. Criteria: Ambry Variant Classification Scheme 2023. Collection method: clinical testing. Allele origin: germline.
Comment: The p.A727T variant (also known as c.2179G>A), located in coding exon 12 of the BMPR2 gene, results from a G to A substitution at nucleotide position 2179. The alanine at codon 727 is replaced by threonine, an amino acid with similar properties. This amino acid position is conserved. In addition, this alteration is predicted to be tolerated by in silico analysis. Based on the available evidence, the clinical significance of this variant remains unclear.

NM_001204.7(BMPR2):c.2179G>A (p.Ala727Thr)

Gene: BMPR2 (bone morphogenetic protein receptor type 2; plus strand). Cytogenetic location: 2q33.2.
Variant type: single nucleotide variant.
Coding change: c.2179G>A on transcript NM_001204.7 (MANE Select); coding-DNA position 2179, G replaced by A.
Protein change: p.Ala727Thr; replaces alanine 727 with threonine.
Molecular consequence: missense variant.
Genome position (GRCh38, 1-based): chr2:202,555,844, G>A. VCF-style: chr2-202555844-G-A. GRCh37 (hg19) VCF-style: chr2-203420567-G-A.
Other names: short protein forms A727T.
Identifiers: ClinVar variation 4867600 (VCV004867600.1).